The following is an entry in ClinVar:

NM_006662.3(SRCAP):c.7076AGG[5] (p.Glu2362dup)

Gene: SRCAP (Snf2 related CREBBP activator protein; plus strand). Cytogenetic location: 16p11.2.
Variant type: Microsatellite.
Coding change: c.7076AGG[5] on transcript NM_006662.3 (MANE Select); five copies in a row of the 3-base unit AGG starting at c.7076; the reference has four copies in a row; one copy, 3 bases duplicated.
Protein change: p.Glu2362dup; duplicates glutamic acid 2362.
Molecular consequence: inframe insertion.
Genome position (GRCh38, 1-based): chr16:30,737,125-30,737,127, AGG duplicated; duplicating any 3 consecutive bases within chr16:30,737,115-30,737,127 gives the same sequence; the position shown is the placement nearest the transcript's 3' end. VCF-style (leftmost placement, unchanged base first): chr16-30737114-A-AGAG. GRCh37 (hg19) VCF-style: chr16-30748435-A-AGAG.
Identifiers: ClinVar variation 1499778 (VCV001499778.8), dbSNP rs753646088, ClinGen allele CA8012407.

ClinVar aggregate classification (germline): Uncertain significance (1 of 4 stars; one submission).

Submission:

Labcorp Genetics (formerly Invitae), Labcorp
Classification: Uncertain significance. Last evaluated: 2021-06-16. Review status: criteria provided, single submitter. Criteria: Invitae Variant Classification Sherloc (09022015). Collection method: clinical testing. Allele origin: germline.
Comment: In summary, the available evidence is currently insufficient to determine the role of this variant in disease. Therefore, it has been classified as a Variant of Uncertain Significance. Experimental studies and prediction algorithms are not available or were not evaluated, and the functional significance of this variant is currently unknown. This variant has not been reported in the literature in individuals with SRCAP-related conditions. The frequency data for this variant in the population databases is considered unreliable, as metrics indicate poor data quality at this position in the ExAC database. This variant, c.7085_7087dup, results in the insertion of 1 amino acid(s) to the SRCAP protein (p.Glu2362dup), but otherwise preserves the integrity of the reading frame.